The following is an entry in ClinVar:

ClinVar aggregate classification (germline): Uncertain significance. Review status: criteria provided, multiple submitters, no conflicts (2 of 4 stars). 2 submissions from 2 submitters: Uncertain significance (2). Last evaluated 2023-10-19.

Conditions:
Autosomal dominant hypocalcemia 1 (HYPOC1). Also called: HYPOCALCEMIA, FAMILIAL. Identifiers: MedGen C3715128, MONDO:0011013, OMIM 601198.
Familial hypocalciuric hypercalcemia (FHH). Also called: Familial benign hypercalcemia. Identifiers: Orphanet 405, MedGen C1809471, MONDO:0018458.
Nephrolithiasis/nephrocalcinosis. Identifiers: MedGen CN580796.

gnomAD v4.1: 1 of 1,614,078 alleles (0.000062%); highest among the groups gnomAD compares: Non-Finnish European, 0.000085%; no homozygotes.

Submissions (2):

Ambry Genetics
Classification: Uncertain significance for Nephrolithiasis/nephrocalcinosis. Last evaluated: 2023-10-19. Review status: criteria provided, single submitter. Criteria: Ambry Variant Classification Scheme 2023. Collection method: clinical testing. Allele origin: germline.
Comment: The p.C482F variant (also known as c.1445G>T), located in coding exon 4 of the CASR gene, results from a G to T substitution at nucleotide position 1445. The cysteine at codon 482 is replaced by phenylalanine, an amino acid with highly dissimilar properties. This amino acid position is conserved. In addition, this alteration is predicted to be tolerated by in silico analysis. Since supporting evidence is limited at this time, the clinical significance of this alteration remains unclear.

Labcorp Genetics (formerly Invitae), Labcorp
Classification: Uncertain significance for Familial hypocalciuric hypercalcemia; Autosomal dominant hypocalcemia 1. Last evaluated: 2023-01-10. Review status: criteria provided, single submitter. Criteria: Invitae Variant Classification Sherloc (09022015). Collection method: clinical testing. Allele origin: germline.
Comment: This variant has not been reported in the literature in individuals affected with CASR-related conditions. In summary, the available evidence is currently insufficient to determine the role of this variant in disease. Therefore, it has been classified as a Variant of Uncertain Significance. Algorithms developed to predict the effect of missense changes on protein structure and function output the following: SIFT: "Tolerated"; PolyPhen-2: "Benign"; Align-GVGD: "Class C0". The phenylalanine amino acid residue is found in multiple mammalian species, which suggests that this missense change does not adversely affect protein function. This variant is not present in population databases (gnomAD no frequency). This sequence change replaces cysteine, which is neutral and slightly polar, with phenylalanine, which is neutral and non-polar, at codon 482 of the CASR protein (p.Cys482Phe).

NM_000388.4(CASR):c.1445G>T (p.Cys482Phe)

Gene: CASR (calcium sensing receptor; plus strand). Cytogenetic location: 3q21.1.
Variant type: single nucleotide variant.
Coding change: c.1445G>T on transcript NM_000388.4 (MANE Select); coding-DNA position 1445, G replaced by T.
Protein change: p.Cys482Phe; replaces cysteine 482 with phenylalanine.
Molecular consequence: missense variant.
Genome position (GRCh38, 1-based): chr3:122,275,879, G>T. VCF-style: chr3-122275879-G-T. GRCh37 (hg19) VCF-style: chr3-121994726-G-T.
Other names: c.1445G>T (NM_000388.3); c.1445G>T, p.Cys482Phe (NM_001178065.2); short protein forms C482F.
Identifiers: ClinVar variation 2922797 (VCV002922797.4), dbSNP rs761468327, ClinGen allele CA354155059.